The following is an entry in ClinVar:

ClinVar aggregate classification (germline): Pathogenic (1 of 4 stars; one submission).

Submission:

Labcorp Genetics (formerly Invitae), Labcorp
Classification: Pathogenic. Last evaluated: 2025-10-19. Review status: criteria provided, single submitter. Criteria: Invitae Variant Classification Sherloc (09022015). Collection method: clinical testing. Allele origin: germline.
Comment: This sequence change creates a premature translational stop signal (p.Glu356*) in the CDHR1 gene. It is expected to result in an absent or disrupted protein product. Loss-of-function variants in CDHR1 are known to be pathogenic (PMID: 23044944, 23591405, 26103963, 26261414). This variant is not present in population databases (gnomAD no frequency). This variant has not been reported in the literature in individuals affected with CDHR1-related conditions. For these reasons, this variant has been classified as Pathogenic.

Literature cited by the submitters: PubMed 23044944; PubMed 23591405; PubMed 26103963; PubMed 26261414.

NM_033100.4(CDHR1):c.1066G>T (p.Glu356Ter)

Gene: CDHR1 (cadherin related family member 1; plus strand). Cytogenetic location: 10q23.1.
Variant type: single nucleotide variant.
Coding change: c.1066G>T on transcript NM_033100.4 (MANE Select); coding-DNA position 1066, G replaced by T.
Protein change: p.Glu356Ter; replaces glutamic acid 356 with a stop codon.
Molecular consequence: nonsense.
Genome position (GRCh38, 1-based): chr10:84,208,276, G>T. VCF-style: chr10-84208276-G-T. GRCh37 (hg19) VCF-style: chr10-85968032-G-T.
Other names: c.1066G>T, p.Glu356Ter (NM_001171971.3); short protein forms E356*.
Identifiers: ClinVar variation 4729482 (VCV004729482.1).
Genomic context (GRCh38, chr10:84,208,276, plus strand): 5'-ACCGTCCCAGTCACCATCAGGATTGTGGACCTCAACAACCACCCGCCAACATTCTATGGA[G>T]AGAGCGGACCCCAAAACAGGTTTGAGCTGTCCATGAATGAGCACCCACCCCAGGGAGAGA-3'